The following is an entry in ClinVar:

ClinVar aggregate classification (germline): Uncertain significance (1 of 4 stars; one submission).

Conditions:
Epilepsy, familial focal, with variable foci 3 (FFEVF3). Identifiers: MedGen C4310708, MONDO:0014925, OMIM 617118.

Allele frequency attached by ClinVar (database versions not stated): gnomAD 0.00001; gnomAD exomes 0.00001; TOPMed 0.00001.
gnomAD v4.1: 10 of 1,593,078 alleles (0.00063%); highest among the groups gnomAD compares: African/African-American, 0.0014%; no homozygotes.

Submission:

Labcorp Genetics (formerly Invitae), Labcorp
Classification: Uncertain significance for Epilepsy, familial focal, with variable foci 3. Last evaluated: 2023-05-12. Review status: criteria provided, single submitter. Criteria: Invitae Variant Classification Sherloc (09022015). Collection method: clinical testing. Allele origin: germline.
Comment: In summary, the available evidence is currently insufficient to determine the role of this variant in disease. Therefore, it has been classified as a Variant of Uncertain Significance. Advanced modeling of protein sequence and biophysical properties (such as structural, functional, and spatial information, amino acid conservation, physicochemical variation, residue mobility, and thermodynamic stability) performed at Invitae indicates that this missense variant is not expected to disrupt NPRL3 protein function. ClinVar contains an entry for this variant (Variation ID: 657411). This variant has not been reported in the literature in individuals affected with NPRL3-related conditions. This variant is not present in population databases (gnomAD no frequency). This sequence change replaces proline, which is neutral and non-polar, with serine, which is neutral and polar, at codon 442 of the NPRL3 protein (p.Pro442Ser).

NM_001077350.3(NPRL3):c.1324C>T (p.Pro442Ser)

Genes: HBA-LCR (alpha-globin locus control region; plus strand), NPRL3 (NPR3 like, GATOR1 complex subunit; minus strand). Cytogenetic location: 16p13.3.
Variant type: single nucleotide variant.
Coding change: c.1324C>T on transcript NM_001077350.3 (MANE Select); coding-DNA position 1324, C replaced by T.
Protein change: p.Pro442Ser; replaces proline 442 with serine.
Molecular consequence: missense variant.
Genome position (GRCh38, 1-based): chr16:89,740, G>A on the plus strand (C>T on the coding strand, the complement: NPRL3 is on the minus strand). VCF-style: chr16-89740-G-A. GRCh37 (hg19) VCF-style: chr16-139738-G-A.
Other names: c.787C>T, p.Pro263Ser (NM_001039476.3); c.1090C>T, p.Pro364Ser (NM_001243247.2); c.1249C>T, p.Pro417Ser (NM_001243248.2, NM_001243249.2); short protein forms P417S, P263S, P442S, P364S.
Identifiers: ClinVar variation 657411 (VCV000657411.7), dbSNP rs868572770, ClinGen allele CA276458456.
Genomic context (GRCh38, chr16:89,740, plus strand): 5'-CTGACTACCACAGCGGTGCCCTGGGGGTCCTACTTGGGGAGCCAAAGCTGAGGGCGTTGG[G>A]CGTGCTGAGGCTGCGACCGCCGACCCGGGCAGTGAAGGGGACGTCGTCCTCTCGCGGACG-3'
Protein context (NP_001070818.1, residues 432-452): ARVGGRSLST[Pro442Ser]NALSFGSPTS